The following is an entry in ClinVar:

ClinVar aggregate classification (germline): Uncertain significance (1 of 4 stars; one submission).

Conditions:
Atrioventricular septal defect 4 (AVSD4). Identifiers: MedGen C3280781, MONDO:0013747, OMIM 614430.

Allele frequency attached by ClinVar (database versions not stated): gnomAD exomes 0.00001; TOPMed 0.00002.
gnomAD v4.1: 12 of 1,614,016 alleles (0.00074%); highest among the groups gnomAD compares: African/African-American, 0.0027%; no homozygotes.

Submission:

Labcorp Genetics (formerly Invitae), Labcorp
Classification: Uncertain significance for Atrioventricular septal defect 4. Last evaluated: 2025-12-20. Review status: criteria provided, single submitter. Criteria: Invitae Variant Classification Sherloc (09022015). Collection method: clinical testing. Allele origin: germline.
Comment: This sequence change replaces alanine, which is neutral and non-polar, with glutamic acid, which is acidic and polar, at codon 388 of the GATA4 protein (p.Ala388Glu). This variant is present in population databases (no rsID available, gnomAD 0.007%). This variant has not been reported in the literature in individuals affected with GATA4-related conditions. ClinVar contains an entry for this variant (Variation ID: 640970). Invitae Evidence Modeling of protein sequence and biophysical properties (such as structural, functional, and spatial information, amino acid conservation, physicochemical variation, residue mobility, and thermodynamic stability) indicates that this missense variant is not expected to disrupt GATA4 protein function with a negative predictive value of 95%. In summary, the available evidence is currently insufficient to determine the role of this variant in disease. Therefore, it has been classified as a Variant of Uncertain Significance.

NM_001308093.3(GATA4):c.1166C>A (p.Ala389Glu)

Gene: GATA4 (GATA binding protein 4). Cytogenetic location: 8p23.1.
Variant type: single nucleotide variant.
Coding change: c.1166C>A on transcript NM_001308093.3 (MANE Select); coding-DNA position 1166, C replaced by A.
Protein change: p.Ala389Glu; replaces alanine 389 with glutamic acid.
Molecular consequence: missense variant.
Genome position (GRCh38, 1-based): chr8:11,758,309, C>A. VCF-style: chr8-11758309-C-A. GRCh37 (hg19) VCF-style: chr8-11615818-C-A.
Other names: c.545C>A, p.Ala182Glu (NM_001308094.2, NM_001374273.1); c.419C>A, p.Ala140Glu (NM_001374274.1); c.1163C>A, p.Ala388Glu (NM_002052.5); short protein forms A182E, A388E, A389E, A140E.
Identifiers: ClinVar variation 640970 (VCV000640970.8), dbSNP rs376885265, ClinGen allele CA172121394.